The following is an entry in ClinVar:

NM_001098.3(ACO2):c.2208+5G>C

Genes: ACO2 (aconitase 2; plus strand), POLR3H (RNA polymerase III subunit H; minus strand). Cytogenetic location: 22q13.2.
Variant type: single nucleotide variant.
Coding change: c.2208+5G>C on transcript NM_001098.3 (MANE Select); 5 bases into the intron after coding-DNA position 2208, G replaced by C.
Molecular consequence: intron variant. On other transcripts: 3 prime UTR variant (5).
Genome position (GRCh38, 1-based): chr22:41,528,027, G>C. VCF-style: chr22-41528027-G-C. GRCh37 (hg19) VCF-style: chr22-41924031-G-C.
Other names: c.*1256C>G (NM_001018050.4, NM_001018052.4, NM_001282884.2 and 2 more transcripts).
Identifiers: ClinVar variation 1347432 (VCV001347432.7), dbSNP rs757026291, ClinGen allele CA10257916.
Genomic context (GRCh38, chr22:41,528,027, plus strand): 5'-TTCACCCTGTGGACAAGCTGACCATTCAGGGCCTGAAGGACTTCACCCCTGGCAAGGTTA[G>C]GGGCCCGGGTCCCCCTGAGGTGGTGGGGTGAGGGGCAGCCACCTTGTTTCCCCTCCTGCA-3'

ClinVar aggregate classification (germline): Uncertain significance. Review status: criteria provided, multiple submitters, no conflicts (2 of 4 stars). 2 submissions from 2 submitters: Uncertain significance (2). Last evaluated 2023-12-17.

Allele frequency attached by ClinVar (database versions not stated): gnomAD exomes below 0.00001 and 0.00002; ExAC 0.00002.
gnomAD v4.1: 12 of 1,614,016 alleles (0.00074%); highest among the groups gnomAD compares: South Asian, 0.0066%; no homozygotes.

Submissions (2):

Labcorp Genetics (formerly Invitae), Labcorp
Classification: Uncertain significance. Last evaluated: 2023-12-17. Review status: criteria provided, single submitter. Criteria: Invitae Variant Classification Sherloc (09022015). Collection method: clinical testing. Allele origin: germline.
Comment: This sequence change falls in intron 17 of the ACO2 gene. It does not directly change the encoded amino acid sequence of the ACO2 protein. It affects a nucleotide within the consensus splice site. This variant is present in population databases (rs757026291, gnomAD 0.01%). This variant has not been reported in the literature in individuals affected with ACO2-related conditions. ClinVar contains an entry for this variant (Variation ID: 1347432). Variants that disrupt the consensus splice site are a relatively common cause of aberrant splicing (PMID: 17576681, 9536098). Algorithms developed to predict the effect of sequence changes on RNA splicing suggest that this variant is not likely to affect RNA splicing. In summary, the available evidence is currently insufficient to determine the role of this variant in disease. Therefore, it has been classified as a Variant of Uncertain Significance.

Blueprint Genetics
Classification: Uncertain significance. Last evaluated: 2020-01-06. Review status: criteria provided, single submitter. Criteria: ACMG Guidelines, 2015. Collection method: clinical testing. Allele origin: germline.

Literature cited by the submitters: PubMed 17576681 (cited by Labcorp Genetics (formerly Invitae), Labcorp); PubMed 9536098 (cited by Labcorp Genetics (formerly Invitae), Labcorp).